The following is an entry in ClinVar:

ClinVar aggregate classification (germline): Pathogenic (1 of 4 stars; one submission).

Conditions:
Hereditary breast ovarian cancer syndrome. Also called: Hereditary breast and ovarian cancer syndrome (HBOC); Hereditary breast and/or ovarian cancer syndrome; Hereditary breast and ovarian cancer; BRCA1- and BRCA2-Associated Hereditary Breast and Ovarian Cancer; Hereditary breast and ovarian cancer syndrome; Breast and ovarian cancer. Identifiers: Orphanet 145, MedGen C0677776, MeSH D061325, MONDO:0003582. Disease mechanism: loss of function.

Submission:

Labcorp Genetics (formerly Invitae), Labcorp
Classification: Pathogenic for Hereditary breast ovarian cancer syndrome. Last evaluated: 2020-01-06. Review status: criteria provided, single submitter. Criteria: Invitae Variant Classification Sherloc (09022015). Collection method: clinical testing. Allele origin: germline.
Comment: This variant has not been reported in the literature in individuals with BRCA1-related conditions. For these reasons, this variant has been classified as Pathogenic. Retrotransposon insertions including LINE1 (L1), Alu, and SVA (SINE-VNTR-Alu) have been reported to be disease-causing through disruption of either a coding region or splice site (PMID: 19763152, 20307669, 22406018) and loss-of-function variants in BRCA1 are known to be pathogenic (PMID: 20104584). This sequence change inserts a large fragment of DNA, likely a transposable element, in exon 16 of the BRCA1 gene (c.5027_5028insSVA), causing a frameshift at codon 1676 (p.Leu1676Phefs*14). The exact size and sequence of the insertion cannot be determined by the current assay. However, the insertion is expected to result in an absent or disrupted protein product.

Literature cited by the submitters: PubMed 19763152; PubMed 20307669; PubMed 22406018; PubMed 20104584.

NM_007294.4(BRCA1):c.5027_5028insCTTTTTCTTTTTTTTCTTTTNNNNNNNNNNGATCTCCTGACCTCGTGATCCGCCCGCCTCGGCCTCCCAAAGTGCTGGGATTACAGGCGTGAGCCACCGCGCCCGGCCCACCACATCACTTT (p.Leu1676delinsPhePhePhePhePhePhePheXaaXaaXaaXaaIleSerTer)

Gene: BRCA1 (BRCA1 DNA repair associated; minus strand). Cytogenetic location: 17q21.31.
Variant type: Insertion.
Coding change: c.5027_5028insCTTTTTCTTTTTTTTCTTTTNNNNNNNNNNGATCTCCTGACCTCGTGATCCGCCCGCCTCGGCCTCCCAAAGTGCTGGGATTACAGGCGTGAGCCACCGCGCCCGGCCCACCACATCACTTT on transcript NM_007294.4 (MANE Select); coding-DNA positions 5027 to 5028, CTTTTTCTTTTTTTTCTTTTNNNNNNNNNNGATCTCCTGACCTCGTGATCCGCCCGCCTCGGCCTCCCAAAGTGCTGGGATTACAGGCGTGAGCCACCGCGCCCGGCCCACCACATCACTTT inserted.
Protein change: p.Leu1676delinsPhePhePhePhePhePhePheXaaXaaXaaXaaIleSerTer.
Molecular consequence: nonsense. On other transcripts: frameshift variant (364), non-coding transcript variant (1).
Genome position: GRCh38: chr17:43,067,668-43,067,669. GRCh37 (hg19): chr17:41,219,685-41,219,686.
Other names: c.1563_1564insCACCACATCACTTTCTTTTTCTTTTTTTTCTTTTNNNNNNNNNNGATCTCCTGACCTCGTGATCCGCCCGCCTCGGCCTCCCAAAGTGCTGGGATTACAGGCGTGAGCCACCGCGCCCGGCC, p.Leu526Phefs (NM_001408452.1, NM_001408453.1, NM_001408454.1 and 3 more transcripts); c.4800_4801insCACCACATCACTTTCTTTTTCTTTTTTTTCTTTTNNNNNNNNNNGATCTCCTGACCTCGTGATCCGCCCGCCTCGGCCTCCCAAAGTGCTGGGATTACAGGCGTGAGCCACCGCGCCCGGCC, p.Leu1605Phefs (NM_001407904.1, NM_001407906.1, NM_001407907.1 and 12 more transcripts); c.1560_1561insCACCACATCACTTTCTTTTTCTTTTTTTTCTTTTNNNNNNNNNNGATCTCCTGACCTCGTGATCCGCCCGCCTCGGCCTCCCAAAGTGCTGGGATTACAGGCGTGAGCCACCGCGCCCGGCC, p.Leu525Phefs (NM_001408458.1, NM_001408459.1, NM_001408460.1 and 7 more transcripts); c.4797_4798insCACCACATCACTTTCTTTTTCTTTTTTTTCTTTTNNNNNNNNNNGATCTCCTGACCTCGTGATCCGCCCGCCTCGGCCTCCCAAAGTGCTGGGATTACAGGCGTGAGCCACCGCGCCCGGCC, p.Leu1604Phefs (NM_001407915.1, NM_001407917.1, NM_001407918.1 and 1 more transcripts); c.4749_4750insCACCACATCACTTTCTTTTTCTTTTTTTTCTTTTNNNNNNNNNNGATCTCCTGACCTCGTGATCCGCCCGCCTCGGCCTCCCAAAGTGCTGGGATTACAGGCGTGAGCCACCGCGCCCGGCC, p.Leu1588Phefs (NM_001407924.1, NM_001407925.1, NM_001407920.1 and 4 more transcripts); c.4890_4891insCACCACATCACTTTCTTTTTCTTTTTTTTCTTTTNNNNNNNNNNGATCTCCTGACCTCGTGATCCGCCCGCCTCGGCCTCCCAAAGTGCTGGGATTACAGGCGTGAGCCACCGCGCCCGGCC, p.Leu1635Phefs (NM_001407919.1, NM_001407664.1, NM_001407665.1 and 6 more transcripts); c.4746_4747insCACCACATCACTTTCTTTTTCTTTTTTTTCTTTTNNNNNNNNNNGATCTCCTGACCTCGTGATCCGCCCGCCTCGGCCTCCCAAAGTGCTGGGATTACAGGCGTGAGCCACCGCGCCCGGCC, p.Leu1587Phefs (NM_001407927.1, NM_001407928.1, NM_001407929.1 and 4 more transcripts); c.1557_1558insCACCACATCACTTTCTTTTTCTTTTTTTTCTTTTNNNNNNNNNNGATCTCCTGACCTCGTGATCCGCCCGCCTCGGCCTCCCAAAGTGCTGGGATTACAGGCGTGAGCCACCGCGCCCGGCC, p.Leu524Phefs (NM_001408468.1, NM_001408469.1, NM_001408470.1); and 73 more.
Identifiers: ClinVar variation 1072881 (VCV001072881.11), dbSNP rs2153707696.